The following is an entry in ClinVar:

ClinVar aggregate classification (germline): Conflicting classifications of pathogenicity. Review status: criteria provided, conflicting classifications (1 of 4 stars). 3 submissions from 3 submitters: Pathogenic (1); Likely pathogenic (1); Uncertain significance (1). Last evaluated 2024-01-05.

Conditions:
Cardiovascular phenotype. Identifiers: MedGen CN230736.
Hereditary cancer-predisposing syndrome. Also called: Hereditary Cancer Syndrome; Hereditary neoplastic syndrome; Tumor predisposition; Neoplastic Syndromes, Hereditary. Identifiers: Orphanet 140162, MedGen C0027672, MeSH D009386, MONDO:0015356.
Neurofibromatosis, type 1 (NF1). Also called: VON RECKLINGHAUSEN DISEASE; NEUROFIBROMATOSIS, TYPE I, SOMATIC; Peripheral type neurofibromatosis; Neurofibromatosis, type I. Identifiers: Orphanet 636, MedGen C0027831, MONDO:0018975, OMIM 162200. Disease mechanism: loss of function.

Submissions (3):

Labcorp Genetics (formerly Invitae), Labcorp
Classification: Pathogenic for Neurofibromatosis, type 1. Last evaluated: 2024-01-05. Review status: criteria provided, single submitter. Criteria: Invitae Variant Classification Sherloc (09022015). Collection method: clinical testing. Allele origin: germline.
Comment: This sequence change replaces methionine, which is neutral and non-polar, with leucine, which is neutral and non-polar, at codon 1440 of the NF1 protein (p.Met1440Leu). This variant is not present in population databases (gnomAD no frequency). This missense change has been observed in individual(s) with clinical features of neurofibromatosis (Invitae). In at least one individual the variant was observed to be de novo. ClinVar contains an entry for this variant (Variation ID: 457697). Advanced modeling of protein sequence and biophysical properties (such as structural, functional, and spatial information, amino acid conservation, physicochemical variation, residue mobility, and thermodynamic stability) has been performed at Invitae for this missense variant, however the output from this modeling did not meet the statistical confidence thresholds required to predict the impact of this variant on NF1 protein function. For these reasons, this variant has been classified as Pathogenic.

Ambry Genetics
Classification: Uncertain significance for Cardiovascular phenotype; Hereditary cancer-predisposing syndrome. Last evaluated: 2023-10-26. Review status: criteria provided, single submitter. Criteria: Ambry Variant Classification Scheme 2023. Collection method: clinical testing. Allele origin: germline.
Comment: The p.M1440L variant (also known as c.4318A>T), located in coding exon 32 of the NF1 gene, results from an A to T substitution at nucleotide position 4318. The methionine at codon 1440 is replaced by leucine, an amino acid with highly similar properties. This amino acid position is highly conserved in available vertebrate species. In addition, the in silico prediction for this alteration is inconclusive. Since supporting evidence is limited at this time, the clinical significance of this alteration remains unclear.

Greenwood Genetic Center Diagnostic Laboratories, Greenwood Genetic Center
Classification: Likely pathogenic for Neurofibromatosis, type 1. Last evaluated: 2023-05-26. Review status: criteria provided, single submitter. Criteria: ACMG Guidelines, 2015. Collection method: clinical testing. Allele origin: germline. Affected: yes.
Comment: PM1_Supporting, PM2, PM6, PP2

NM_001042492.3(NF1):c.4381A>T (p.Met1461Leu)

Gene: NF1 (neurofibromin 1; plus strand). Cytogenetic location: 17q11.2.
Variant type: single nucleotide variant.
Coding change: c.4381A>T on transcript NM_001042492.3 (MANE Select); coding-DNA position 4381, A replaced by T.
Protein change: p.Met1461Leu; replaces methionine 1461 with leucine.
Molecular consequence: missense variant.
Genome position (GRCh38, 1-based): chr17:31,259,080, A>T. VCF-style: chr17-31259080-A-T. GRCh37 (hg19) VCF-style: chr17-29586098-A-T.
Other names: c.4318A>T, p.Met1440Leu (NM_000267.4); short protein forms M1440L, M1461L.
Identifiers: ClinVar variation 457697 (VCV000457697.12), dbSNP rs1555618675, ClinGen allele CA398998847.
Genomic context (GRCh38, chr17:31,259,080, plus strand): 5'-TTTATTGTGTAGATACTTCAGAGTATTGCCAATCATGTTCTCTTCACAAAAGAAGAACAT[A>T]TGCGGCCTTTCAATGATTTTGTGAAAAGCAACTTTGATGCAGCACGCAGGTAATTTTCTT-3'
Protein context (NP_001035957.1, residues 1451-1471): NHVLFTKEEH[Met1461Leu]RPFNDFVKSN